The following is an entry in ClinVar:

NM_006852.6(TLK2):c.1465G>A (p.Ala489Thr)

Gene: TLK2 (tousled like kinase 2; plus strand). Cytogenetic location: 17q23.2.
Variant type: single nucleotide variant.
Coding change: c.1465G>A on transcript NM_006852.6 (MANE Select); coding-DNA position 1465, G replaced by A.
Protein change: p.Ala489Thr; replaces alanine 489 with threonine.
Molecular consequence: missense variant.
Genome position (GRCh38, 1-based): chr17:62,596,589, G>A. VCF-style: chr17-62596589-G-A. GRCh37 (hg19) VCF-style: chr17-60673950-G-A.
Other names: c.1531G>A, p.Ala511Thr (NM_001284333.3); c.1369G>A, p.Ala457Thr (NM_001284363.1, NM_001375272.1, NM_001438203.1 and 1 more transcripts); c.1018G>A, p.Ala340Thr (NM_001330418.3, NM_001375273.1); c.1507G>A, p.Ala503Thr (NM_001375269.1); c.1465G>A, p.Ala489Thr (NM_001375270.1, NM_001375271.1); c.1180G>A, p.Ala394Thr (NM_001411074.1); c.1276G>A, p.Ala426Thr (NM_001438205.1); short protein forms A340T, A394T, A426T, A457T, A489T, A503T, A511T.
Identifiers: ClinVar variation 4818879 (VCV004818879.1).

ClinVar aggregate classification (germline): Likely pathogenic (1 of 4 stars; one submission).

Conditions:
Intellectual developmental disorder, autosomal dominant 57. Also called: MENTAL RETARDATION, AUTOSOMAL DOMINANT 57; Intellectual disability, autosomal dominant 57. Identifiers: MedGen C4748003, MONDO:0054837, OMIM 618050.

Submission:

MVZ Medizinische Genetik Mainz
Classification: Likely pathogenic for Intellectual developmental disorder, autosomal dominant 57. Last evaluated: 2026-03-05. Review status: criteria provided, single submitter. Criteria: UK Practice Guidelines For Variant Classification V4 01 2020. Collection method: clinical testing. Allele origin: germline. Inheritance: Autosomal dominant inheritance. Affected: yes. Observed: 1 variant allele.
Comment: ACMG Criteria: PM1,PM6,PM2_SUP,PP2